The following is an entry in ClinVar:

NM_000179.3(MSH6):c.1086T>C (p.Pro362=)

Gene: MSH6 (mutS homolog 6; plus strand). Cytogenetic location: 2p16.3.
Variant type: single nucleotide variant.
Coding change: c.1086T>C on transcript NM_000179.3 (MANE Select); coding-DNA position 1086, T replaced by C.
Protein change: p.Pro362=; no amino-acid change (proline 362 retained).
Molecular consequence: synonymous variant.
Genome position (GRCh38, 1-based): chr2:47,799,069, T>C. VCF-style: chr2-47799069-T-C. GRCh37 (hg19) VCF-style: chr2-48026208-T-C.
Other names: c.696T>C, p.Pro232= (NM_001281492.2); c.180T>C, p.Pro60= (NM_001281494.2, NM_001281493.2).
Identifiers: ClinVar variation 379032 (VCV000379032.17), dbSNP rs1057520472, ClinGen allele CA16604579.

ClinVar aggregate classification (germline): Likely benign. Review status: criteria provided, multiple submitters, no conflicts (2 of 4 stars). 4 submissions from 4 submitters: Likely benign (4). Last evaluated 2025-07-22.

Conditions:
Hereditary nonpolyposis colorectal neoplasms. Identifiers: MedGen C0009405, MeSH D003123.
Hereditary cancer-predisposing syndrome. Also called: Tumor predisposition; Hereditary neoplastic syndrome; Neoplastic Syndromes, Hereditary; Hereditary Cancer Syndrome. Identifiers: Orphanet 140162, MedGen C0027672, MeSH D009386, MONDO:0015356.

gnomAD v4.1: 1 of 1,614,188 alleles (0.000062%); no homozygotes.

Submissions (4):

Labcorp Genetics (formerly Invitae), Labcorp
Classification: Likely benign for Hereditary nonpolyposis colorectal neoplasms. Last evaluated: 2025-07-22. Review status: criteria provided, single submitter. Criteria: Invitae Variant Classification Sherloc (09022015). Collection method: clinical testing. Allele origin: germline.

Color Diagnostics, LLC DBA Color Health
Classification: Likely benign for Hereditary cancer-predisposing syndrome. Last evaluated: 2018-04-20. Review status: criteria provided, single submitter. Criteria: ACMG Guidelines, 2015. Collection method: clinical testing. Allele origin: germline.

Ambry Genetics
Classification: Likely benign for Hereditary cancer-predisposing syndrome. Last evaluated: 2016-04-14. Review status: criteria provided, single submitter. Criteria: Ambry Variant Classification Scheme 2023. Collection method: clinical testing. Allele origin: germline.

GeneDx
Classification: Likely benign. Last evaluated: 2016-03-31. Review status: criteria provided, single submitter. Criteria: GeneDx Variant Classification (06012015). Collection method: clinical testing. Allele origin: germline. Affected: yes.
Comment: This variant is considered likely benign or benign based on one or more of the following criteria: it is a conservative change, it occurs at a poorly conserved position in the protein, it is predicted to be benign by multiple in silico algorithms, and/or has population frequency not consistent with disease.